The following is an entry in ClinVar:

ClinVar aggregate classification (germline): Conflicting classifications of pathogenicity. Review status: criteria provided, conflicting classifications (1 of 4 stars). 4 submissions from 4 submitters: Uncertain significance (1); Likely benign (3). Last evaluated 2026-01-18.

Conditions:
Familial thoracic aortic aneurysm and aortic dissection (TAAD). Also called: Thoracic aortic aneurysms and dissections. Identifiers: Orphanet 91387, MedGen C4707243, MONDO:0019625.
Marfan syndrome (MFS). Also called: FBN1-Related Marfan Syndrome; Marfan syndrome type 1; Marfan's syndrome; Marfan syndrome, classic; MARFAN SYNDROME, TYPE I. Identifiers: Orphanet 284963, Orphanet 558, MedGen C0024796, MONDO:0007947, OMIM 154700.

Allele frequency attached by ClinVar (database versions not stated): TOPMed 0.00001; ExAC 0.00001; gnomAD 0.00002; gnomAD exomes 0.00001.
gnomAD v4.1: 21 of 1,613,966 alleles (0.0013%); highest among the groups gnomAD compares: African/African-American, 0.004%; no homozygotes.

Submissions (4):

Labcorp Genetics (formerly Invitae), Labcorp
Classification: Likely benign for Marfan syndrome; Familial thoracic aortic aneurysm and aortic dissection. Last evaluated: 2026-01-18. Review status: criteria provided, single submitter. Criteria: Invitae Variant Classification Sherloc (09022015). Collection method: clinical testing. Allele origin: germline.

Blueprint Genetics
Classification: Likely benign. Last evaluated: 2024-09-19. Review status: criteria provided, single submitter. Criteria: ACMG Guidelines, 2015. Collection method: clinical testing. Allele origin: germline.

All of Us Research Program, National Institutes of Health
Classification: Uncertain significance for Marfan syndrome. Last evaluated: 2024-05-09. Review status: criteria provided, single submitter. Criteria: ACMG Guidelines, 2015. Collection method: clinical testing. Allele origin: germline. Inheritance: Autosomal dominant inheritance. Observed: 1 variant allele, 1 heterozygote.
Comment: This study involves interpretation of variants in research participants for the purpose of population health screening. Participant phenotype was not available at the time of variant classification. Additional details can be found in publication PMID: 35346344, PMCID: PMC8962531

Color Diagnostics, LLC DBA Color Health
Classification: Likely benign for Familial thoracic aortic aneurysm and aortic dissection. Last evaluated: 2021-10-25. Review status: criteria provided, single submitter. Criteria: ACMG Guidelines, 2015. Collection method: clinical testing. Allele origin: germline.

NM_000138.5(FBN1):c.4088-5A>G

Gene: FBN1 (fibrillin 1; minus strand). Cytogenetic location: 15q21.1.
Variant type: single nucleotide variant.
Coding change: c.4088-5A>G on transcript NM_000138.5 (MANE Select); 5 bases into the intron before coding-DNA position 4088, A replaced by G.
Molecular consequence: intron variant.
Genome position (GRCh38, 1-based): chr15:48,474,382, T>C on the plus strand (A>G on the coding strand, the complement: FBN1 is on the minus strand). VCF-style: chr15-48474382-T-C. GRCh37 (hg19) VCF-style: chr15-48766579-T-C.
Identifiers: ClinVar variation 571580 (VCV000571580.12), dbSNP rs534913868, ClinGen allele CA052041.
Genomic context (GRCh38, chr15:48,474,382, plus strand): 5'-CTTGCAGTCTGCATGCTGGCTGCACATATGGGTTCCATTGGAACATTCGTCCAGATCTTA[T>C]AGAAAAAGGTTATATCATTATTAACAGAAAGGGTGGTATTTAAAACCAATAATACACAAA-3'